The following is an entry in ClinVar:

ClinVar aggregate classification (germline): Likely pathogenic (1 of 4 stars; one submission).

Submission:

Labcorp Genetics (formerly Invitae), Labcorp
Classification: Likely pathogenic. Last evaluated: 2018-08-18. Review status: criteria provided, single submitter. Criteria: Invitae Variant Classification Sherloc (09022015). Collection method: clinical testing. Allele origin: germline.
Comment: This sequence change affects an acceptor splice site in intron 1 of the ATP6V1B1 gene. It is expected to disrupt RNA splicing and likely results in an absent or disrupted protein product. This variant is not present in population databases (ExAC no frequency). This variant has not been reported in the literature in individuals with ATP6V1B1-related disease. Algorithms developed to predict the effect of sequence changes on RNA splicing suggest that this variant may disrupt the consensus splice site, but this prediction has not been confirmed by published transcriptional studies. Donor and acceptor splice site variants typically lead to a loss of protein function (PMID: 16199547), and loss-of-function variants in ATP6V1B1 are known to be pathogenic (PMID: 9916796, 18368028). In summary, the currently available evidence indicates that the variant is pathogenic, but additional data are needed to prove that conclusively. Therefore, this variant has been classified as Likely Pathogenic.

Literature cited by the submitters: PubMed 16199547; PubMed 9916796; PubMed 18368028.

NM_001692.4(ATP6V1B1):c.119-1G>T

Genes: ATP6V1B1 (ATPase H+ transporting V1 subunit B1; plus strand), ATP6V1B1-AS1 (ATP6V1B1 antisense RNA 1; minus strand). Cytogenetic location: 2p13.3.
Variant type: single nucleotide variant.
Coding change: c.119-1G>T on transcript NM_001692.4 (MANE Select); the canonical splice acceptor site of the intron before coding-DNA position 119, G replaced by T.
Molecular consequence: splice acceptor variant.
Genome position (GRCh38, 1-based): chr2:70,943,657, G>T. VCF-style: chr2-70943657-G-T. GRCh37 (hg19) VCF-style: chr2-71170787-G-T.
Identifiers: ClinVar variation 641262 (VCV000641262.7), dbSNP rs782378031, ClinGen allele CA347178447.
Genomic context (GRCh38, chr2:70,943,657, plus strand): 5'-TCTGTGTGTGTGAGCAGGGTGTTTGGGGTGAGACCCCTACTCACCCCCGCCCCTCCCCCA[G>T]CCTACAGGACTGTGTGCAGCGTGAACGGGCCCCTGGTGGTGCTGGACCGGGTCAAGGTAA-3'